The following is an entry in ClinVar:

ClinVar aggregate classification (germline): Benign. Review status: criteria provided, multiple submitters, no conflicts (2 of 4 stars). 13 submissions from 12 submitters: Benign (10). 3 of the submissions do not count toward it. Last evaluated 2026-05-08.

Conditions:
Postaxial polydactyly-anterior pituitary anomalies-facial dysmorphism syndrome. Also called: Culler-Jones syndrome. Identifiers: Orphanet 420584, MedGen C4014479, MONDO:0014369, OMIM 615849.
Holoprosencephaly 9 (HPE9). Also called: PITUITARY ANOMALIES WITH HOLOPROSENCEPHALY-LIKE FEATURES; HOLOPROSENCEPHALY WITH MICROPHTHALMIA AND FIRST BRANCHIAL ARCH ANOMALIES. Identifiers: Orphanet 2162, MedGen C1835819, MONDO:0012563, OMIM 610829.

Allele frequency attached by ClinVar (database versions not stated): 1000 Genomes Project 0.50899; gnomAD 0.60593 and 0.61025; 1000 Genomes Project 30x 0.51062; gnomAD exomes 0.63180; TOPMed 0.59403; ESP Exome Variant Server 0.62341; ExAC 0.62959.
gnomAD v4.1: 1,102,212 of 1,612,702 alleles (68%); highest among the groups gnomAD compares: Non-Finnish European, 73%; 384,436 homozygotes.

Submissions (13):

Women's Health and Genetics/Laboratory Corporation of America, LabCorp
Classification: Benign. Last evaluated: 2026-05-08. Review status: criteria provided, single submitter. Criteria: LabCorp Variant Classification Summary - May 2015. Collection method: clinical testing. Allele origin: germline.

Labcorp Genetics (formerly Invitae), Labcorp
Classification: Benign for Postaxial polydactyly-anterior pituitary anomalies-facial dysmorphism syndrome; Holoprosencephaly 9. Last evaluated: 2026-02-04. Review status: criteria provided, single submitter. Criteria: Invitae Variant Classification Sherloc (09022015). Collection method: clinical testing. Allele origin: germline.

Blueprint Genetics
Classification: Benign. Last evaluated: 2024-11-26. Review status: criteria provided, single submitter. Criteria: ACMG Guidelines, 2015. Collection method: clinical testing. Allele origin: germline.

Genome-Nilou Lab
Classification: Benign for Postaxial polydactyly-anterior pituitary anomalies-facial dysmorphism syndrome. Last evaluated: 2021-08-10. Review status: criteria provided, single submitter. Criteria: ACMG Guidelines, 2015. Collection method: clinical testing. Allele origin: germline. Affected: no.

Genome-Nilou Lab
Classification: Benign for Holoprosencephaly 9. Last evaluated: 2021-08-10. Review status: criteria provided, single submitter. Criteria: ACMG Guidelines, 2015. Collection method: clinical testing. Allele origin: germline. Affected: no.

GeneDx
Classification: Benign. Last evaluated: 2018-11-28. Review status: criteria provided, single submitter. Criteria: GeneDx Variant Classification Process June 2021. Collection method: clinical testing. Allele origin: germline. Affected: yes.

Illumina Laboratory Services, Illumina
Classification: Benign for Holoprosencephaly 9. Last evaluated: 2018-01-13. Review status: criteria provided, single submitter. Criteria: ICSL Variant Classification Criteria 13 December 2019. Collection method: clinical testing. Allele origin: germline.
Comment: This variant was observed in the ICSL laboratory as part of a predisposition screen in an ostensibly healthy population. It had not been previously curated by ICSL or reported in the Human Gene Mutation Database (HGMD: prior to June 1st, 2018), and was therefore a candidate for classification through an automated scoring system. Utilizing variant allele frequency, disease prevalence and penetrance estimates, and inheritance mode, an automated score was calculated to assess if this variant is too frequent to cause the disease. Based on the score and internal cut-off values, a variant classified as benign is not then subjected to further curation. The score for this variant resulted in a classification of benign for this disease.

Eurofins Ntd Llc (ga)
Classification: Benign. Last evaluated: 2013-05-09. Review status: criteria provided, single submitter. Criteria: EGL Classification Definitions 2015. Collection method: clinical testing. Allele origin: germline. Observed: 8 variant alleles, 3 heterozygotes, 5 homozygotes.

Breakthrough Genomics
Classification: Benign. Review status: criteria provided, single submitter. Criteria: ACMG Guidelines, 2015. Collection method: not provided. Allele origin: germline. Inheritance: Autosomal dominant inheritance. Affected: yes.

PreventionGenetics, part of Exact Sciences
Classification: Benign. Review status: criteria provided, single submitter. Criteria: ACMG Guidelines, 2015. Collection method: clinical testing. Allele origin: germline.

Clinical Genetics, Academic Medical Center
Classification: Benign. Review status: no assertion criteria provided. Collection method: clinical testing. Allele origin: germline. Affected: yes. Study: VKGL Data-share Consensus. Not counted in ClinVar's aggregate classification.

Diagnostic Laboratory, Department of Genetics, University Medical Center Groningen
Classification: Benign. Review status: no assertion criteria provided. Collection method: clinical testing. Allele origin: germline. Affected: yes. Study: VKGL Data-share Consensus. Not counted in ClinVar's aggregate classification.

Joint Genome Diagnostic Labs from Nijmegen and Maastricht, Radboudumc and MUMC+
Classification: Benign. Review status: no assertion criteria provided. Collection method: clinical testing. Allele origin: germline. Affected: yes. Study: VKGL Data-share Consensus. Not counted in ClinVar's aggregate classification.

NM_001374353.1(GLI2):c.3415G>T (p.Ala1139Ser)

Gene: GLI2 (GLI family zinc finger 2; plus strand). Cytogenetic location: 2q14.2.
Variant type: single nucleotide variant.
Coding change: c.3415G>T on transcript NM_001374353.1 (MANE Select); coding-DNA position 3415, G replaced by T.
Protein change: p.Ala1139Ser; replaces alanine 1139 with serine.
Molecular consequence: missense variant.
Genome position (GRCh38, 1-based): chr2:120,989,380, G>T. VCF-style: chr2-120989380-G-T. GRCh37 (hg19) VCF-style: chr2-121746956-G-T.
Other names: c.3466G>T, p.Ala1156Ser (NM_001371271.1, NM_005270.5); c.3040G>T, p.Ala1014Ser (NM_001374354.1); short protein forms A1156S, A1014S, A1139S.
Identifiers: ClinVar variation 95271 (VCV000095271.29), dbSNP rs3738880, ClinGen allele CA148367.